The following is an entry in ClinVar:

ClinVar aggregate classification (germline): Uncertain significance (1 of 4 stars; one submission).

Conditions:
Regional enteritis. Also called: Enteritis, Granulomatous. Identifiers: MedGen C0678202, MeSH D003424.
Blau syndrome (BLAUS). Also called: ARTHROCUTANEOUVEAL GRANULOMATOSIS; GRANULOMATOSIS, FAMILIAL JUVENILE SYSTEMIC; GRANULOMATOSIS, FAMILIAL, BLAU TYPE; GRANULOMATOUS INFLAMMATORY ARTHRITIS, DERMATITIS, AND UVEITIS, FAMILIAL; JABS SYNDROME. Identifiers: Orphanet 90340, MedGen C5201146, MONDO:0008523, OMIM 186580.

Submission:

Labcorp Genetics (formerly Invitae), Labcorp
Classification: Uncertain significance for Regional enteritis; Blau syndrome. Last evaluated: 2025-03-07. Review status: criteria provided, single submitter. Criteria: Invitae Variant Classification Sherloc (09022015). Collection method: clinical testing. Allele origin: germline.
Comment: This sequence change replaces arginine, which is basic and polar, with glycine, which is neutral and non-polar, at codon 753 of the NOD2 protein (p.Arg753Gly). This variant is not present in population databases (gnomAD no frequency). This missense change has been observed in individual(s) with clinical features of NOD2-related conditions (PMID: 26070941). Invitae Evidence Modeling of protein sequence and biophysical properties (such as structural, functional, and spatial information, amino acid conservation, physicochemical variation, residue mobility, and thermodynamic stability) indicates that this missense variant is not expected to disrupt NOD2 protein function with a negative predictive value of 95%. In summary, the available evidence is currently insufficient to determine the role of this variant in disease. Therefore, it has been classified as a Variant of Uncertain Significance.

Literature cited by the submitters: PubMed 26070941.

NM_001370466.1(NOD2):c.2176C>G (p.Arg726Gly)

Gene: NOD2 (nucleotide binding oligomerization domain containing 2; plus strand). Cytogenetic location: 16q12.1.
Variant type: single nucleotide variant.
Coding change: c.2176C>G on transcript NM_001370466.1 (MANE Select); coding-DNA position 2176, C replaced by G.
Protein change: p.Arg726Gly; replaces arginine 726 with glycine.
Molecular consequence: missense variant. On other transcripts: non-coding transcript variant (1).
Genome position (GRCh38, 1-based): chr16:50,712,168, C>G. VCF-style: chr16-50712168-C-G. GRCh37 (hg19) VCF-style: chr16-50746079-C-G.
Other names: c.2176C>G, p.Arg726Gly (NM_001293557.2); c.2257C>G, p.Arg753Gly (NM_022162.3); short protein forms R726G, R753G.
Identifiers: ClinVar variation 4784772 (VCV004784772.1).
Genomic context (GRCh38, chr16:50,712,168, plus strand): 5'-GTGCATGCCATGCCCGGGTTCATCTGGCTCATCCGGAGCCTGTACGAGATGCAGGAGGAG[C>G]GGCTGGCTCGGAAGGCTGCACGTGGCCTGAATGTTGGGCACCTCAAGTTGACATTTTGCA-3'
Protein context (NP_001357395.1, residues 716-736): IRSLYEMQEE[Arg726Gly]LARKAARGLN